The following is an entry in ClinVar:

ClinVar aggregate classification (germline): Uncertain significance (1 of 4 stars; one submission).

Conditions:
Autoimmune interstitial lung disease-arthritis syndrome. Also called: Autoinflammation and autoimmunity, systemic, with immune dysregulation. Identifiers: Orphanet 444092, MedGen C5975714, MONDO:0014629.

Submission:

Labcorp Genetics (formerly Invitae), Labcorp
Classification: Uncertain significance for Autoimmune interstitial lung disease-arthritis syndrome. Last evaluated: 2025-06-23. Review status: criteria provided, single submitter. Criteria: Invitae Variant Classification Sherloc (09022015). Collection method: clinical testing. Allele origin: germline.
Comment: This sequence change replaces asparagine, which is neutral and polar, with serine, which is neutral and polar, at codon 331 of the COPA protein (p.Asn331Ser). This variant is not present in population databases (gnomAD no frequency). This variant has not been reported in the literature in individuals affected with COPA-related conditions. ClinVar contains an entry for this variant (Variation ID: 2970740). Invitae Evidence Modeling of protein sequence and biophysical properties (such as structural, functional, and spatial information, amino acid conservation, physicochemical variation, residue mobility, and thermodynamic stability) indicates that this missense variant is not expected to disrupt COPA protein function with a negative predictive value of 80%. In summary, the available evidence is currently insufficient to determine the role of this variant in disease. Therefore, it has been classified as a Variant of Uncertain Significance.

NM_004371.4(COPA):c.992A>G (p.Asn331Ser)

Gene: COPA (coat protein complex I subunit alpha; minus strand). Cytogenetic location: 1q23.2.
Variant type: single nucleotide variant.
Coding change: c.992A>G on transcript NM_004371.4 (MANE Select); coding-DNA position 992, A replaced by G.
Protein change: p.Asn331Ser; replaces asparagine 331 with serine.
Molecular consequence: missense variant.
Genome position (GRCh38, 1-based): chr1:160,311,952, T>C on the plus strand (A>G on the coding strand, the complement: COPA is on the minus strand). VCF-style: chr1-160311952-T-C. GRCh37 (hg19) VCF-style: chr1-160281742-T-C.
Other names: c.992A>G, p.Asn331Ser (NM_001098398.2); short protein forms N331S.
Identifiers: ClinVar variation 2970740 (VCV002970740.3), dbSNP rs2525404539, ClinGen allele CA343261252.